The following is an entry in ClinVar:

ClinVar aggregate classification (germline): Uncertain significance (1 of 4 stars; one submission).

Allele frequency attached by ClinVar (database versions not stated): gnomAD exomes below 0.00001.
gnomAD v4.1: 2 of 1,613,346 alleles (0.00012%); highest among the groups gnomAD compares: South Asian, 0.0011%; no homozygotes.

Submission:

Quest Diagnostics Nichols Institute San Juan Capistrano
Classification: Uncertain significance. Last evaluated: 2023-03-29. Review status: criteria provided, single submitter. Criteria: Quest Diagnostics criteria. Collection method: clinical testing. Allele origin: unknown.
Comment: This variant has not been reported in the published literature. The frequency of this variant in the general population, 0.000004 (1/249888 chromosomes), is uninformative in assessment of its pathogenicity. Analysis of this variant using software algorithms for the prediction of the effect of nucleotide changes on splicing yielded predictions that this variant does not affect VWF mRNA splicing . Based on the available information, we are unable to determine the clinical significance of this variant.

NM_000552.5(VWF):c.1443C>T (p.Arg481=)

Gene: VWF (von Willebrand factor; minus strand). Cytogenetic location: 12p13.31.
Variant type: single nucleotide variant.
Coding change: c.1443C>T on transcript NM_000552.5 (MANE Select); coding-DNA position 1443, C replaced by T.
Protein change: p.Arg481=; no amino-acid change (arginine 481 retained).
Molecular consequence: synonymous variant.
Genome position (GRCh38, 1-based): chr12:6,063,044, G>A on the plus strand (C>T on the coding strand, the complement: VWF is on the minus strand). VCF-style: chr12-6063044-G-A. GRCh37 (hg19) VCF-style: chr12-6172210-G-A.
Identifiers: ClinVar variation 2682096 (VCV002682096.1), dbSNP rs1407333020, ClinGen allele CA478104216.